The following is an entry in ClinVar:

NM_001082486.2(ACD):c.208C>G (p.Leu70Val)

Gene: ACD (ACD shelterin complex subunit and telomerase recruitment factor; minus strand). Cytogenetic location: 16q22.1.
Variant type: single nucleotide variant.
Coding change: c.208C>G on transcript NM_001082486.2 (MANE Select); coding-DNA position 208, C replaced by G.
Protein change: p.Leu70Val; replaces leucine 70 with valine.
Molecular consequence: missense variant.
Genome position (GRCh38, 1-based): chr16:67,659,937, G>C on the plus strand (C>G on the coding strand, the complement: ACD is on the minus strand). VCF-style: chr16-67659937-G-C. GRCh37 (hg19) VCF-style: chr16-67693840-G-C.
Other names: c.208C>G, p.Leu70Val (NM_001410884.1); c.199C>G, p.Leu67Val (NM_022914.3); short protein forms L67V, L70V.
Identifiers: ClinVar variation 3261541 (VCV003261541.1).

ClinVar aggregate classification (germline): Uncertain significance (1 of 4 stars; one submission).

Conditions:
Inborn genetic diseases. Identifiers: MedGen C0950123, MeSH D030342.

Submission:

Ambry Genetics
Classification: Uncertain significance for Inborn genetic diseases. Last evaluated: 2024-05-19. Review status: criteria provided, single submitter. Criteria: Ambry Variant Classification Scheme 2023. Collection method: clinical testing. Allele origin: germline.
Comment: The p.L156V variant (also known as c.466C>G), located in coding exon 2 of the ACD gene, results from a C to G substitution at nucleotide position 466. The leucine at codon 156 is replaced by valine, an amino acid with highly similar properties. This amino acid position is conserved. In addition, this alteration is predicted to be tolerated by in silico analysis. Based on the available evidence, the clinical significance of this variant remains unclear.